The following is an entry in ClinVar:

ClinVar aggregate classification (germline): Uncertain significance (1 of 4 stars; one submission).

Conditions:
Deficiency of isobutyryl-CoA dehydrogenase. Also called: ACYL-CoA DEHYDROGENASE FAMILY, MEMBER 8, DEFICIENCY OF; IBD DEFICIENCY; ACAD8 DEFICIENCY. Identifiers: Orphanet 79159, MedGen C1969809, MONDO:0012648, OMIM 611283.

Submission:

Baylor Genetics
Classification: Uncertain significance for Deficiency of isobutyryl-CoA dehydrogenase. Last evaluated: 2018-01-24. Review status: criteria provided, single submitter. Criteria: ACMG Guidelines, 2015. Collection method: clinical testing. Allele origin: paternal. Affected: yes.
Comment: This variant was determined to be of uncertain significance according to ACMG Guidelines, 2015 [PMID:25741868].

NM_014384.3(ACAD8):c.763G>A (p.Val255Met)

Gene: ACAD8 (acyl-CoA dehydrogenase family member 8; plus strand). Cytogenetic location: 11q25.
Variant type: single nucleotide variant.
Coding change: c.763G>A on transcript NM_014384.3 (MANE Select); coding-DNA position 763, G replaced by A.
Protein change: p.Val255Met; replaces valine 255 with methionine.
Molecular consequence: missense variant.
Genome position (GRCh38, 1-based): chr11:134,261,101, G>A. VCF-style: chr11-134261101-G-A. GRCh37 (hg19) VCF-style: chr11-134130995-G-A.
Other names: short protein forms V255M.
Identifiers: ClinVar variation 1033692 (VCV001033692.1), dbSNP rs899220061, ClinGen allele CA231278036.